The following is an entry in ClinVar:

ClinVar aggregate classification (germline): Uncertain significance (1 of 4 stars; one submission).

Allele frequency attached by ClinVar (database versions not stated): gnomAD exomes below 0.00001.
gnomAD v4.1: 1 of 1,608,738 alleles (0.000062%); highest among the groups gnomAD compares: Non-Finnish European, 0.000085%; no homozygotes.

Submission:

GeneDx
Classification: Uncertain significance. Last evaluated: 2025-04-18. Review status: criteria provided, single submitter. Criteria: GeneDx Variant Classification Process June 2021. Collection method: clinical testing. Allele origin: germline. Affected: yes.
Comment: Not observed at significant frequency in large population cohorts (gnomAD); In silico analysis supports that this missense variant has a deleterious effect on protein structure/function; Has not been previously published as pathogenic or benign to our knowledge

NM_005585.5(SMAD6):c.1172T>G (p.Ile391Ser)

Gene: SMAD6 (SMAD family member 6; plus strand). Cytogenetic location: 15q22.31.
Variant type: single nucleotide variant.
Coding change: c.1172T>G on transcript NM_005585.5 (MANE Select); coding-DNA position 1172, T replaced by G.
Protein change: p.Ile391Ser; replaces isoleucine 391 with serine.
Molecular consequence: missense variant. On other transcripts: non-coding transcript variant (1).
Genome position (GRCh38, 1-based): chr15:66,781,216, T>G. VCF-style: chr15-66781216-T-G. GRCh37 (hg19) VCF-style: chr15-67073554-T-G.
Other names: short protein forms I391S.
Identifiers: ClinVar variation 2571742 (VCV002571742.2), dbSNP rs2541897896, ClinGen allele CA393202012.